The following is an entry in ClinVar:

ClinVar aggregate classification (germline): Uncertain significance. Review status: criteria provided, multiple submitters, no conflicts (2 of 4 stars). 2 submissions from 2 submitters: Uncertain significance (2). Last evaluated 2025-04-28.

Conditions:
Infantile nephronophthisis (NPHP2). Also called: Nephronophthisis 2; Nephronophthisis 2, infantile. Identifiers: Orphanet 655, Orphanet 93591, MedGen C1865872, MONDO:0011190, OMIM 602088.
Nephronophthisis. Also called: Juvenile Nephronophthisis. Identifiers: Orphanet 655, MedGen C0687120, MONDO:0019005, HP:0000090.

Allele frequency attached by ClinVar (database versions not stated): gnomAD exomes below 0.00001; ExAC 0.00001; gnomAD 0.00001.

Submissions (2):

Labcorp Genetics (formerly Invitae), Labcorp
Classification: Uncertain significance for Nephronophthisis. Last evaluated: 2025-04-28. Review status: criteria provided, single submitter. Criteria: Invitae Variant Classification Sherloc (09022015). Collection method: clinical testing. Allele origin: germline.
Comment: This sequence change replaces proline, which is neutral and non-polar, with serine, which is neutral and polar, at codon 688 of the INVS protein (p.Pro688Ser). The frequency data for this variant in the population databases is considered unreliable, as metrics indicate poor data quality at this position in the gnomAD database. This variant has not been reported in the literature in individuals affected with INVS-related conditions. ClinVar contains an entry for this variant (Variation ID: 1022054). An algorithm developed to predict the effect of missense changes on protein structure and function (PolyPhen-2) suggests that this variant is likely to be tolerated. In summary, the available evidence is currently insufficient to determine the role of this variant in disease. Therefore, it has been classified as a Variant of Uncertain Significance.

Fulgent Genetics
Classification: Uncertain significance for Infantile nephronophthisis. Last evaluated: 2024-01-22. Review status: criteria provided, single submitter. Criteria: ACMG Guidelines, 2015. Collection method: clinical testing. Allele origin: germline.

NM_014425.5(INVS):c.2062C>T (p.Pro688Ser)

Gene: INVS (inversin; plus strand). Cytogenetic location: 9q31.1.
Variant type: single nucleotide variant.
Coding change: c.2062C>T on transcript NM_014425.5 (MANE Select); coding-DNA position 2062, C replaced by T.
Protein change: p.Pro688Ser; replaces proline 688 with serine.
Molecular consequence: missense variant. On other transcripts: non-coding transcript variant (1).
Genome position (GRCh38, 1-based): chr9:100,284,597, C>T. VCF-style: chr9-100284597-C-T. GRCh37 (hg19) VCF-style: chr9-103046879-C-T.
Other names: c.1774C>T, p.Pro592Ser (NM_001318381.2); c.1084C>T, p.Pro362Ser (NM_001318382.2); short protein forms P362S, P592S, P688S.
Identifiers: ClinVar variation 1022054 (VCV001022054.9), dbSNP rs769487492, ClinGen allele CA5158539.
Genomic context (GRCh38, chr9:100,284,597, plus strand): 5'-GGAGCCCTCCAGAAGGAGCAGCATGTTTCCTCAGATTTGCAGGGAACAAACTCCAGAAGG[C>T]CAAATGGTAGGTGTATTGCCTTTGTCATCTTCTGCCGGCCCATGGACTGTGGGCTTTTTT-3'
Protein context (NP_055240.2, residues 678-698): SDLQGTNSRR[Pro688Ser]NETAREHSKG